The following is an entry in ClinVar:

NM_000441.2(SLC26A4):c.929C>T (p.Ala310Val)

Gene: SLC26A4 (solute carrier family 26 member 4; plus strand). Cytogenetic location: 7q22.3.
Variant type: single nucleotide variant.
Coding change: c.929C>T on transcript NM_000441.2 (MANE Select); coding-DNA position 929, C replaced by T.
Protein change: p.Ala310Val; replaces alanine 310 with valine.
Molecular consequence: missense variant.
Genome position (GRCh38, 1-based): chr7:107,683,465, C>T. VCF-style: chr7-107683465-C-T. GRCh37 (hg19) VCF-style: chr7-107323910-C-T.
Other names: short protein forms A310V.
Identifiers: ClinVar variation 558589 (VCV000558589.9), dbSNP rs540008835, ClinGen allele CA4432631.

ClinVar aggregate classification (germline): Conflicting classifications of pathogenicity. Review status: criteria provided, conflicting classifications (1 of 4 stars). 6 submissions from 6 submitters: Likely pathogenic (1); Uncertain significance (4). 1 of the submissions does not count toward it. Last evaluated 2026-06-15.

Conditions:
Pendred syndrome (PDS). Also called: DEAFNESS WITH GOITER; GOITER-DEAFNESS SYNDROME; HYPOTHYROIDISM, CONGENITAL, DUE TO DYSHORMONOGENESIS, 2B; Pendred Syndrome (PDS); Pendred's syndrome; THYROID DYSHORMONOGENESIS 2B. Identifiers: Orphanet 705, MedGen C0271829, MONDO:0010134, OMIM 274600.

Allele frequency attached by ClinVar (database versions not stated): ExAC 0.00003; gnomAD 0.00003 and 0.00007; gnomAD exomes 0.00004; TOPMed 0.00005; 1000 Genomes Project 0.00080; 1000 Genomes Project 30x 0.00109.
gnomAD v4.1: 51 of 1,613,678 alleles (0.0032%); highest among the groups gnomAD compares: Admixed American, 0.075%; no homozygotes.

Submissions (6):

Women's Health and Genetics/Laboratory Corporation of America, LabCorp
Classification: Uncertain significance. Last evaluated: 2026-06-15. Review status: criteria provided, single submitter. Criteria: LabCorp Variant Classification Summary - May 2015. Collection method: clinical testing. Allele origin: germline.
Comment: Variant summary: SLC26A4 c.929C>T (p.Ala310Val) results in a non-conservative amino acid change located in the SLC26A/SulP transporter domain (IPR011547) of the encoded protein sequence. Algorithms developed to predict the effect of missense changes on protein structure and function all suggest that this variant is likely to be disruptive. The variant allele was found at a frequency of 3.6e-05 in 251038 control chromosomes. The available data on variant occurrences in the general population are insufficient to allow any conclusion about variant significance. c.929C>T has been reported in the literature in an individual affected with Congenital Hypothyroidism (de Filippis_2017). These report(s) do not provide unequivocal conclusions about association of the variant with Pendred Syndrome. To our knowledge, no experimental evidence demonstrating an impact on protein function has been reported. The following publication has been ascertained in the context of this evaluation (PMID: 28444304). ClinVar contains an entry for this variant (Variation ID: 558589). Based on the evidence outlined above, the variant was classified as uncertain significance.

GeneDx
Classification: Uncertain significance. Last evaluated: 2026-05-09. Review status: criteria provided, single submitter. Criteria: GeneDx Variant Classification Process June 2021. Collection method: clinical testing. Allele origin: germline.
Comment: Identified in a patient with thyroid dysgenesis and additional anomalies in published literature (PMID: 28444304), a second variant was not identified.; In silico analysis supports that this missense variant has a deleterious effect on protein structure/function; This variant is associated with the following publications: (PMID: 28444304)

Labcorp Genetics (formerly Invitae), Labcorp
Classification: Uncertain significance. Last evaluated: 2022-10-15. Review status: criteria provided, single submitter. Criteria: Invitae Variant Classification Sherloc (09022015). Collection method: clinical testing. Allele origin: germline.
Comment: This sequence change replaces alanine, which is neutral and non-polar, with valine, which is neutral and non-polar, at codon 310 of the SLC26A4 protein (p.Ala310Val). This variant is present in population databases (rs540008835, gnomAD 0.03%). This variant has not been reported in the literature in individuals affected with SLC26A4-related conditions. ClinVar contains an entry for this variant (Variation ID: 558589). Advanced modeling of protein sequence and biophysical properties (such as structural, functional, and spatial information, amino acid conservation, physicochemical variation, residue mobility, and thermodynamic stability) performed at Invitae indicates that this missense variant is expected to disrupt SLC26A4 protein function. In summary, the available evidence is currently insufficient to determine the role of this variant in disease. Therefore, it has been classified as a Variant of Uncertain Significance.

Blueprint Genetics
Classification: Uncertain significance. Last evaluated: 2022-06-10. Review status: criteria provided, single submitter. Criteria: ACMG Guidelines, 2015. Collection method: clinical testing. Allele origin: germline.

Mendelics
Classification: Likely pathogenic for Pendred syndrome. Last evaluated: 2022-05-04. Review status: criteria provided, single submitter. Criteria: Mendelics Assertion Criteria 2019. Collection method: clinical testing. Allele origin: germline.

Counsyl
Classification: Uncertain significance for Pendred syndrome. Last evaluated: 2018-05-31. Review status: no assertion criteria provided. Collection method: clinical testing. Allele origin: unknown. Not counted in ClinVar's aggregate classification.

Literature cited by the submitters: PubMed 28444304 (cited by Women's Health and Genetics/Laboratory Corporation of America, LabCorp and Counsyl).